The following is an entry in ClinVar:

ClinVar aggregate classification (germline): Uncertain significance. Review status: criteria provided, multiple submitters, no conflicts (2 of 4 stars). 2 submissions from 2 submitters: Uncertain significance (2). Last evaluated 2020-06-10.

Conditions:
Imerslund-Grasbeck syndrome type 1 (IGS1). Also called: Megaloblastic anemia 1, Finnish type; MEGALOBLASTIC ANEMIA, 1; Imerslund-Gräsbeck syndrome 1. Identifiers: MedGen C4016819, MONDO:0100156, OMIM 261100.
Imerslund-Grasbeck syndrome. Also called: Megaloblastic anemia due to inborn errors of metabolism; Imerslund-Gräsbeck syndrome; ENTEROCYTE COBALAMIN MALABSORPTION; ENTEROCYTE INTRINSIC FACTOR RECEPTOR, DEFECT OF; PERNICIOUS ANEMIA, JUVENILE, DUE TO SELECTIVE INTESTINAL MALABSORPTION OF VITAMIN B12, WITH PROTEINURIA. Identifiers: Orphanet 35858, MedGen C4551825, MONDO:0009853.

Allele frequency attached by ClinVar (database versions not stated): TOPMed 0.00001; gnomAD exomes 0.00002 and 0.00004; ExAC 0.00004; gnomAD 0.00003.
gnomAD v4.1: 28 of 1,613,300 alleles (0.0017%); highest among the groups gnomAD compares: East Asian, 0.0067%; no homozygotes.

Submissions (2):

Labcorp Genetics (formerly Invitae), Labcorp
Classification: Uncertain significance for Imerslund-Grasbeck syndrome. Last evaluated: 2020-06-10. Review status: criteria provided, single submitter. Criteria: Invitae Variant Classification Sherloc (09022015). Collection method: clinical testing. Allele origin: germline.
Comment: Algorithms developed to predict the effect of sequence changes on RNA splicing suggest that this variant may create or strengthen a splice site, but this prediction has not been confirmed by published transcriptional studies. In summary, the available evidence is currently insufficient to determine the role of this variant in disease. Therefore, it has been classified as a Variant of Uncertain Significance. This variant has not been reported in the literature in individuals with CUBN-related conditions. ClinVar contains an entry for this variant (Variation ID: 299401). This variant is present in population databases (rs749545791, ExAC 0.01%). This sequence change affects codon 2834 of the CUBN mRNA. It is a 'silent' change, meaning that it does not change the encoded amino acid sequence of the CUBN protein.

Illumina Laboratory Services, Illumina
Classification: Uncertain significance for Imerslund-Grasbeck syndrome type 1. Last evaluated: 2018-01-12. Review status: criteria provided, single submitter. Criteria: ICSL Variant Classification Criteria 13 December 2019. Collection method: clinical testing. Allele origin: germline.

NM_001081.4(CUBN):c.8502G>A (p.Thr2834=)

Gene: CUBN (cubilin; minus strand). Cytogenetic location: 10p13.
Variant type: single nucleotide variant.
Coding change: c.8502G>A on transcript NM_001081.4 (MANE Select); coding-DNA position 8502, G replaced by A.
Protein change: p.Thr2834=; no amino-acid change (threonine 2834 retained).
Molecular consequence: synonymous variant.
Genome position (GRCh38, 1-based): chr10:16,899,092, C>T on the plus strand (G>A on the coding strand, the complement: CUBN is on the minus strand). VCF-style: chr10-16899092-C-T. GRCh37 (hg19) VCF-style: chr10-16941091-C-T.
Identifiers: ClinVar variation 299401 (VCV000299401.13), dbSNP rs749545791, ClinGen allele CA5423008.
Genomic context (GRCh38, chr10:16,899,092, plus strand): 5'-GGGGATTAGGAAGTTGTTGTCAAAGCTGATCTCCAAGTGTTTACTTTTGTGAGTAATGGC[C>T]GTCCAGGAACATCTGCTGTTTTCGGGAAAATTCTGAGGCCAGTGAGGGGATCTGATTGTA-3'
Protein context (NP_001072.2, residues 2824-2844): NFPENSRCSW[Thr2834=]AITHKSKHLE